The following is an entry in ClinVar:

ClinVar aggregate classification (germline): Uncertain significance (1 of 4 stars; one submission).

Submission:

Labcorp Genetics (formerly Invitae), Labcorp
Classification: Uncertain significance. Last evaluated: 2022-03-24. Review status: criteria provided, single submitter. Criteria: Invitae Variant Classification Sherloc (09022015). Collection method: clinical testing. Allele origin: germline.
Comment: This sequence change replaces glycine, which is neutral and non-polar, with alanine, which is neutral and non-polar, at codon 881 of the LONP1 protein (p.Gly881Ala). In summary, the available evidence is currently insufficient to determine the role of this variant in disease. Therefore, it has been classified as a Variant of Uncertain Significance. Algorithms developed to predict the effect of missense changes on protein structure and function are either unavailable or do not agree on the potential impact of this missense change (SIFT: "Deleterious"; PolyPhen-2: "Probably Damaging"; Align-GVGD: "Class C0"). This variant has not been reported in the literature in individuals affected with LONP1-related conditions. This variant is not present in population databases (gnomAD no frequency).

NM_004793.4(LONP1):c.2642G>C (p.Gly881Ala)

Gene: LONP1 (lon peptidase 1, mitochondrial; minus strand). Cytogenetic location: 19p13.3.
Variant type: single nucleotide variant.
Coding change: c.2642G>C on transcript NM_004793.4 (MANE Select); coding-DNA position 2642, G replaced by C.
Protein change: p.Gly881Ala; replaces glycine 881 with alanine.
Molecular consequence: missense variant. On other transcripts: non-coding transcript variant (1).
Genome position (GRCh38, 1-based): chr19:5,693,359, C>G on the plus strand (G>C on the coding strand, the complement: LONP1 is on the minus strand). VCF-style: chr19-5693359-C-G. GRCh37 (hg19) VCF-style: chr19-5693370-C-G.
Other names: c.2450G>C, p.Gly817Ala (NM_001276479.2); c.2054G>C, p.Gly685Ala (NM_001276480.1); short protein forms G881A, G817A, G685A.
Identifiers: ClinVar variation 2109157 (VCV002109157.4), dbSNP rs2512382571, ClinGen allele CA403525725.